The following is an entry in ClinVar:

ClinVar aggregate classification (germline): Uncertain significance (1 of 4 stars; one submission).

gnomAD v4.1: 1 of 1,209,080 alleles (0.000083%); highest among the groups gnomAD compares: Admixed American, 0.0022%; no homozygotes.

Submission:

Labcorp Genetics (formerly Invitae), Labcorp
Classification: Uncertain significance. Last evaluated: 2025-01-01. Review status: criteria provided, single submitter. Criteria: Invitae Variant Classification Sherloc (09022015). Collection method: clinical testing. Allele origin: germline.
Comment: This sequence change replaces glycine, which is neutral and non-polar, with aspartic acid, which is acidic and polar, at codon 673 of the NEXMIF protein (p.Gly673Asp). This variant is not present in population databases (gnomAD no frequency). This variant has not been reported in the literature in individuals affected with NEXMIF-related conditions. An algorithm developed to predict the effect of missense changes on protein structure and function outputs the following: PolyPhen-2: "Benign". The aspartic acid amino acid residue is found in multiple mammalian species, which suggests that this missense change does not adversely affect protein function. In summary, the available evidence is currently insufficient to determine the role of this variant in disease. Therefore, it has been classified as a Variant of Uncertain Significance.

NM_001008537.3(NEXMIF):c.2018G>A (p.Gly673Asp)

Gene: NEXMIF (neurite extension and migration factor; minus strand). Cytogenetic location: Xq13.3.
Variant type: single nucleotide variant.
Coding change: c.2018G>A on transcript NM_001008537.3 (MANE Select); coding-DNA position 2018, G replaced by A.
Protein change: p.Gly673Asp; replaces glycine 673 with aspartic acid.
Molecular consequence: missense variant.
Genome position (GRCh38, 1-based): chrX:74,742,539, C>T on the plus strand (G>A on the coding strand, the complement: NEXMIF is on the minus strand). VCF-style: chrX-74742539-C-T. GRCh37 (hg19) VCF-style: chrX-73962374-C-T.
Other names: short protein forms G673D.
Identifiers: ClinVar variation 3728436 (VCV003728436.2).